The following is an entry in ClinVar:

ClinVar aggregate classification (germline): Pathogenic. Review status: criteria provided, single submitter (1 of 4 stars). 2 submissions from 2 submitters: Pathogenic (1). 1 of the submissions does not count toward it. Last evaluated 2023-09-18.

Conditions:
Xeroderma pigmentosum, group C (XPC). Also called: Xeroderma pigmentosum, complementation group C; XERODERMA PIGMENTOSUM III; XP, GROUP C; XPC-Related Xeroderma Pigmentosum. Identifiers: Orphanet 910, MedGen C2752147, MONDO:0010211, OMIM 278720.

Allele frequency attached by ClinVar (database versions not stated): gnomAD exomes below 0.00001.
gnomAD v4.1: 3 of 1,605,620 alleles (0.00019%); highest among the groups gnomAD compares: Non-Finnish European, 0.00026%; no homozygotes.

Submissions (2):

Labcorp Genetics (formerly Invitae), Labcorp
Classification: Pathogenic. Last evaluated: 2023-09-18. Review status: criteria provided, single submitter. Criteria: Invitae Variant Classification Sherloc (09022015). Collection method: clinical testing. Allele origin: germline.
Comment: This sequence change affects a donor splice site in intron 1 of the XPC gene. It is expected to disrupt RNA splicing. Variants that disrupt the donor or acceptor splice site typically lead to a loss of protein function (PMID: 16199547), and loss-of-function variants in XPC are known to be pathogenic (PMID: 23173980, 25256075). This variant is not present in population databases (gnomAD no frequency). Disruption of this splice site has been observed in individual(s) with xeroderma pigmentosum (PMID: 28669926). In at least one individual the data is consistent with being in trans (on the opposite chromosome) from a pathogenic variant. ClinVar contains an entry for this variant (Variation ID: 554399). Algorithms developed to predict the effect of sequence changes on RNA splicing suggest that this variant may disrupt the consensus splice site. For these reasons, this variant has been classified as Pathogenic.

Counsyl
Classification: Likely pathogenic for Xeroderma pigmentosum, group C. Last evaluated: 2017-10-17. Review status: no assertion criteria provided. Collection method: clinical testing. Allele origin: unknown. Not counted in ClinVar's aggregate classification.

Literature cited by the submitters: PubMed 16199547 (cited by Labcorp Genetics (formerly Invitae), Labcorp); PubMed 23173980 (cited by Labcorp Genetics (formerly Invitae), Labcorp); PubMed 25256075 (cited by Labcorp Genetics (formerly Invitae), Labcorp); PubMed 28669926 (cited by Labcorp Genetics (formerly Invitae), Labcorp).

NM_004628.5(XPC):c.103+2T>G

Genes: XPC (XPC complex subunit, DNA damage recognition and repair factor; minus strand), LOC129936244 (ATAC-STARR-seq lymphoblastoid active region 19500; plus strand). Cytogenetic location: 3p25.1.
Variant type: single nucleotide variant.
Coding change: c.103+2T>G on transcript NM_004628.5 (MANE Select); the canonical splice donor site of the intron after coding-DNA position 103, T replaced by G.
Molecular consequence: splice donor variant. On other transcripts: intron variant (1).
Genome position (GRCh38, 1-based): chr3:14,178,464, A>C on the plus strand (T>G on the coding strand, the complement: XPC is on the minus strand). VCF-style: chr3-14178464-A-C. GRCh37 (hg19) VCF-style: chr3-14219964-A-C.
Other names: c.85+20T>G (NM_001354729.2); c.-353+2T>G (NM_001354726.2); c.103+2T>G (NM_001354730.2, NM_001354727.2).
Identifiers: ClinVar variation 554399 (VCV000554399.5), dbSNP rs1553608616, ClinGen allele CA351543555.